The following is an entry in ClinVar:

ClinVar aggregate classification (germline): Uncertain significance (1 of 4 stars; one submission).

Conditions:
Joubert syndrome 21 (JBTS21). Identifiers: MedGen C3810212, MONDO:0014288, OMIM 615636.

Submission:

Labcorp Genetics (formerly Invitae), Labcorp
Classification: Uncertain significance for Joubert syndrome 21. Last evaluated: 2022-08-16. Review status: criteria provided, single submitter. Criteria: Invitae Variant Classification Sherloc (09022015). Collection method: clinical testing. Allele origin: germline.
Comment: In summary, the available evidence is currently insufficient to determine the role of this variant in disease. Therefore, it has been classified as a Variant of Uncertain Significance. Algorithms developed to predict the effect of missense changes on protein structure and function output the following: SIFT: "Tolerated"; PolyPhen-2: "Benign"; Align-GVGD: "Class C0". The glutamine amino acid residue is found in multiple mammalian species, which suggests that this missense change does not adversely affect protein function. This variant has not been reported in the literature in individuals affected with CSPP1-related conditions. This variant is not present in population databases (gnomAD no frequency). This sequence change replaces histidine, which is basic and polar, with glutamine, which is neutral and polar, at codon 470 of the CSPP1 protein (p.His470Gln).

NM_001382391.1(CSPP1):c.1425T>G (p.His475Gln)

Gene: CSPP1 (centrosome and spindle pole associated protein 1; plus strand). Cytogenetic location: 8q13.2.
Variant type: single nucleotide variant.
Coding change: c.1425T>G on transcript NM_001382391.1 (MANE Select); coding-DNA position 1425, T replaced by G.
Protein change: p.His475Gln; replaces histidine 475 with glutamine.
Molecular consequence: missense variant.
Genome position (GRCh38, 1-based): chr8:67,116,051, T>G. VCF-style: chr8-67116051-T-G. GRCh37 (hg19) VCF-style: chr8-68028286-T-G.
Other names: c.528T>G, p.His176Gln (NM_001291339.2); c.1344T>G, p.His448Gln (NM_001363131.2); c.1383T>G, p.His461Gln (NM_001363132.2); c.1302T>G, p.His434Gln (NM_001363133.2); c.1491T>G, p.His497Gln (NM_001364869.1); c.1311T>G, p.His437Gln (NM_001364870.1); c.1410T>G, p.His470Gln (NM_024790.7); short protein forms H437Q, H176Q, H434Q, H461Q, H470Q, H497Q, H448Q, H475Q.
Identifiers: ClinVar variation 2196209 (VCV002196209.4), dbSNP rs769160277, ClinGen allele CA371199007.